The following is an entry in ClinVar:

NM_007186.6(CEP250):c.6986C>T (p.Thr2329Met)

Gene: CEP250 (centrosomal protein 250; plus strand). Cytogenetic location: 20q11.22.
Variant type: single nucleotide variant.
Coding change: c.6986C>T on transcript NM_007186.6 (MANE Select); coding-DNA position 6986, C replaced by T.
Protein change: p.Thr2329Met; replaces threonine 2329 with methionine.
Molecular consequence: missense variant.
Genome position (GRCh38, 1-based): chr20:35,509,022, C>T. VCF-style: chr20-35509022-C-T. GRCh37 (hg19) VCF-style: chr20-34096851-C-T.
Other names: c.5090C>T, p.Thr1697Met (NM_001318219.1); short protein forms T1697M, T2329M.
Identifiers: ClinVar variation 1956098 (VCV001956098.5), dbSNP rs1057500684, ClinGen allele CA314164707.

ClinVar aggregate classification (germline): Uncertain significance (1 of 4 stars; one submission).

Allele frequency attached by ClinVar (database versions not stated): gnomAD exomes below 0.00001; gnomAD 0.00001.
gnomAD v4.1: 6 of 1,556,874 alleles (0.00039%); highest among the groups gnomAD compares: South Asian, 0.0024%; no homozygotes.

Submission:

Labcorp Genetics (formerly Invitae), Labcorp
Classification: Uncertain significance. Last evaluated: 2023-12-07. Review status: criteria provided, single submitter. Criteria: Invitae Variant Classification Sherloc (09022015). Collection method: clinical testing. Allele origin: germline.
Comment: This sequence change replaces threonine, which is neutral and polar, with methionine, which is neutral and non-polar, at codon 2329 of the CEP250 protein (p.Thr2329Met). The frequency data for this variant in the population databases is considered unreliable, as metrics indicate poor data quality at this position in the gnomAD database. This variant has not been reported in the literature in individuals affected with CEP250-related conditions. ClinVar contains an entry for this variant (Variation ID: 1956098). Algorithms developed to predict the effect of missense changes on protein structure and function output the following: SIFT: "Not Available"; PolyPhen-2: "Benign"; Align-GVGD: "Not Available". The methionine amino acid residue is found in multiple mammalian species, which suggests that this missense change does not adversely affect protein function. In summary, the available evidence is currently insufficient to determine the role of this variant in disease. Therefore, it has been classified as a Variant of Uncertain Significance.